The following is an entry in ClinVar:

NM_003743.5(NCOA1):c.1451C>T (p.Ala484Val)

Gene: NCOA1 (nuclear receptor coactivator 1; plus strand). Cytogenetic location: 2p23.3.
Variant type: single nucleotide variant.
Coding change: c.1451C>T on transcript NM_003743.5 (MANE Select); coding-DNA position 1451, C replaced by T.
Protein change: p.Ala484Val; replaces alanine 484 with valine.
Molecular consequence: missense variant.
Genome position (GRCh38, 1-based): chr2:24,706,921, C>T. VCF-style: chr2-24706921-C-T. GRCh37 (hg19) VCF-style: chr2-24929790-C-T.
Other names: c.1451C>T, p.Ala484Val (NM_001362950.1, NM_001362952.1, NM_001362954.1 and 3 more transcripts); short protein forms A484V.
Identifiers: ClinVar variation 3040038 (VCV003040038.2), dbSNP rs189482882, ClinGen allele CA43628597.
Genomic context (GRCh38, chr2:24,706,921, plus strand): 5'-GCAGTAATCCCTCTTTAAACCTCAATAATTCTCCTATGGAAGGTACAGGAATATCCCTAG[C>T]ACAGTTCATGTCTCCAAGGAGACAGGTTACTTCTGGATTGGCAACAAGGCCCAGGATGCC-3'
Protein context (NP_003734.3, residues 474-494): SPMEGTGISL[Ala484Val]QFMSPRRQVT

ClinVar aggregate classification (germline): Uncertain significance (0 of 4 stars; one submission).

Conditions:
NCOA1-related disorder. Also called: NCOA1-related condition.

Allele frequency attached by ClinVar (database versions not stated): 1000 Genomes Project 30x 0.00016; 1000 Genomes Project 0.00020.
gnomAD v4.1: 1 of 1,614,162 alleles (0.000062%); no homozygotes.

Submission:

PreventionGenetics, part of Exact Sciences
Classification: Uncertain significance for NCOA1-related condition. Last evaluated: 2024-01-15. Review status: no assertion criteria provided. Collection method: clinical testing. Allele origin: germline.
Comment: The NCOA1 c.1451C>T variant is predicted to result in the amino acid substitution p.Ala484Val. To our knowledge, this variant has not been reported in the literature or in a large population database, indicating this variant is rare. At this time, the clinical significance of this variant is uncertain due to the absence of conclusive functional and genetic evidence.